The following is an entry in ClinVar:

ClinVar aggregate classification (germline): Likely pathogenic (1 of 4 stars; one submission).

Conditions:
Retinal dystrophy. Also called: Inherited retinal dystrophy. Identifiers: Orphanet 71862, MedGen C0854723, MeSH D058499, MONDO:0019118, HP:0000556.

Submission:

Ophthalmic Genetics Group, Institute of Molecular and Clinical Ophthalmology Basel
Classification: Likely pathogenic for Retinal dystrophy. Last evaluated: 2024-05-27. Review status: criteria provided, single submitter. Criteria: ACMG Guidelines, 2015. Collection method: research. Allele origin: germline. Affected: yes. Observed: 2 variant alleles.
Comment: This variant was classified as Likely pathogenic based on ACMG criteria: PM2, PP1_strong, and PP3_sup

Literature cited by the submitters: PubMed 40180963.

NM_021831.6(AGBL5):c.577C>T (p.Arg193Trp)

Gene: AGBL5 (AGBL carboxypeptidase 5; plus strand). Cytogenetic location: 2p23.3.
Variant type: single nucleotide variant.
Coding change: c.577C>T on transcript NM_021831.6 (MANE Select); coding-DNA position 577, C replaced by T.
Protein change: p.Arg193Trp; replaces arginine 193 with tryptophan.
Molecular consequence: missense variant. On other transcripts: non-coding transcript variant (2).
Genome position (GRCh38, 1-based): chr2:27,054,655, C>T. VCF-style: chr2-27054655-C-T. GRCh37 (hg19) VCF-style: chr2-27277523-C-T.
Other names: NC_000002.11:g.27277523C>T; NP_068603.4:p.(Arg193Trp); c.577C>T, p.Arg193Trp (NM_001035507.3); short protein forms R193W.
Identifiers: ClinVar variation 3381770 (VCV003381770.2).